The following is an entry in ClinVar:

ClinVar aggregate classification (germline): Likely benign. Review status: criteria provided, multiple submitters, no conflicts (2 of 4 stars). 3 submissions from 3 submitters: Likely benign (3). Last evaluated 2026-09-01.

Allele frequency attached by ClinVar (database versions not stated): gnomAD exomes 0.00001 and 0.00002; gnomAD 0.00002 and 0.00004; TOPMed 0.00003; ESP Exome Variant Server 0.00008; ExAC 0.00001.
gnomAD v4.1: 42 of 1,606,616 alleles (0.0026%); highest among the groups gnomAD compares: Non-Finnish European, 0.003%; no homozygotes.

Submissions (3):

CeGaT Center for Human Genetics Tuebingen
Classification: Likely benign. Last evaluated: 2026-09-01. Review status: criteria provided, single submitter. Criteria: CeGaT Center For Human Genetics Tuebingen Variant Classification Criteria Version 2. Collection method: clinical testing. Allele origin: germline. Affected: yes. Observed: 1 variant allele.
Comment: IARS2: BP4, BP7

Labcorp Genetics (formerly Invitae), Labcorp
Classification: Likely benign. Last evaluated: 2024-04-02. Review status: criteria provided, single submitter. Criteria: Invitae Variant Classification Sherloc (09022015). Collection method: clinical testing. Allele origin: germline.

GeneDx
Classification: Likely benign. Last evaluated: 2016-07-26. Review status: criteria provided, single submitter. Criteria: GeneDx Variant Classification (06012015). Collection method: clinical testing. Allele origin: germline. Affected: yes.
Comment: This variant is considered likely benign or benign based on one or more of the following criteria: it is a conservative change, it occurs at a poorly conserved position in the protein, it is predicted to be benign by multiple in silico algorithms, and/or has population frequency not consistent with disease.

NM_018060.4(IARS2):c.2316A>G (p.Glu772=)

Gene: IARS2 (isoleucyl-tRNA synthetase 2, mitochondrial; plus strand). Cytogenetic location: 1q41.
Variant type: single nucleotide variant.
Coding change: c.2316A>G on transcript NM_018060.4 (MANE Select); coding-DNA position 2316, A replaced by G.
Protein change: p.Glu772=; no amino-acid change (glutamic acid 772 retained).
Molecular consequence: synonymous variant.
Genome position (GRCh38, 1-based): chr1:220,140,191, A>G. VCF-style: chr1-220140191-A-G. GRCh37 (hg19) VCF-style: chr1-220313533-A-G.
Identifiers: ClinVar variation 387768 (VCV000387768.6), dbSNP rs377178843, ClinGen allele CA1401744.
Genomic context (GRCh38, chr1:220,140,191, plus strand): 5'-ATTTTCATTTGCCTGTCTCAGCTTCCAAATTTATTTTGGCTTTGTTCCCTAGATTACCGA[A>G]TTATACAAACAATATGATTTTGGAAAAGTTGTTCGGCTGTTACGGACGTTTTATACCAGA-3'
Protein context (NP_060530.3, residues 762-782): LLQDLANKIT[Glu772=]LYKQYDFGKV